The following is an entry in ClinVar:

ClinVar aggregate classification (germline): Uncertain significance (1 of 4 stars; one submission).

Conditions:
Spastic paraplegia. Identifiers: MedGen C0037772, HP:0001258.

Submission:

Labcorp Genetics (formerly Invitae), Labcorp
Classification: Uncertain significance for Spastic paraplegia. Last evaluated: 2025-07-31. Review status: criteria provided, single submitter. Criteria: Invitae Variant Classification Sherloc (09022015). Collection method: clinical testing. Allele origin: germline.
Comment: This sequence change replaces valine, which is neutral and non-polar, with alanine, which is neutral and non-polar, at codon 377 of the RTN2 protein (p.Val377Ala). This variant is not present in population databases (gnomAD no frequency). This variant has not been reported in the literature in individuals affected with RTN2-related conditions. An algorithm developed to predict the effect of missense changes on protein structure and function (PolyPhen-2) suggests that this variant is likely to be disruptive. In summary, the available evidence is currently insufficient to determine the role of this variant in disease. Therefore, it has been classified as a Variant of Uncertain Significance.

NM_005619.5(RTN2):c.1130T>C (p.Val377Ala)

Genes: OPA3-RTN2 (OPA3-RTN2 readthrough; minus strand), RTN2 (reticulon 2; minus strand). Cytogenetic location: 19q13.32.
Variant type: single nucleotide variant.
Coding change: c.1130T>C on transcript NM_005619.5 (MANE Select); coding-DNA position 1130, T replaced by C.
Protein change: p.Val377Ala; replaces valine 377 with alanine.
Molecular consequence: missense variant.
Genome position (GRCh38, 1-based): chr19:45,489,457, A>G on the plus strand (T>C on the coding strand, the complement: RTN2 is on the minus strand). VCF-style: chr19-45489457-A-G. GRCh37 (hg19) VCF-style: chr19-45992715-A-G.
Other names: c.911T>C, p.Val304Ala (NM_206900.3); c.110T>C, p.Val37Ala (NM_206901.3); short protein forms V304A, V37A, V377A.
Identifiers: ClinVar variation 4737251 (VCV004737251.1).